The following is an entry in ClinVar:

ClinVar aggregate classification (germline): Uncertain significance. Review status: criteria provided, multiple submitters, no conflicts (2 of 4 stars). 3 submissions from 3 submitters: Uncertain significance (3). Last evaluated 2026-05-28.

Conditions:
Familial cancer of breast. Also called: hereditary breast carcinoma; Hereditary breast cancer; BREAST CANCER, FAMILIAL. Identifiers: Orphanet 227535, MedGen C0346153, MONDO:0016419, OMIM 114480. Disease mechanism: loss of function.
Hereditary cancer-predisposing syndrome. Also called: Tumor predisposition; Hereditary Cancer Syndrome; Neoplastic Syndromes, Hereditary; Hereditary neoplastic syndrome. Identifiers: Orphanet 140162, MedGen C0027672, MeSH D009386, MONDO:0015356.
Hereditary breast ovarian cancer syndrome. Also called: Hereditary breast and ovarian cancer; Hereditary breast and ovarian cancer syndrome (HBOC); Hereditary breast and ovarian cancer syndrome; Breast and ovarian cancer; Hereditary breast and/or ovarian cancer syndrome; BRCA1- and BRCA2-Associated Hereditary Breast and Ovarian Cancer. Identifiers: Orphanet 145, MedGen C0677776, MeSH D061325, MONDO:0003582. Disease mechanism: loss of function.

gnomAD v4.1: 1 of 1,593,580 alleles (0.000063%); highest among the groups gnomAD compares: Non-Finnish European, 0.000086%; no homozygotes.

Submissions (3):

Ambry Genetics
Classification: Uncertain significance for Hereditary cancer-predisposing syndrome. Last evaluated: 2026-05-28. Review status: criteria provided, single submitter. Criteria: Ambry Variant Classification Scheme 2023. Collection method: clinical testing. Allele origin: germline.
Comment: The c.1375G>A variant (also known as p.A459T), located in coding exon 11 of the CHEK2 gene, results from a G to A substitution at nucleotide position 1375. The amino acid change results in alanine to threonine at codon 459, an amino acid with similar properties. However, this change occurs in the last base pair of coding exon 11, which makes it likely to have some effect on normal mRNA splicing. This nucleotide position is highly conserved in available vertebrate species. This amino acid position is highly conserved in available vertebrate species. In silico splice site analysis predicts that this alteration may weaken the native splice donor site. One minigene study reported complete aberrant splicing in association with this variant (Sanoguera-Miralles L et al. Clin Chem. 2024 Jan;70(1):319-338). Internal RNA studies have demonstrated that this variant results in an incomplete splice defect; the clinical impact of this abnormal splicing is unknown at this time (Ambry internal data). In addition, as a missense, the in silico prediction for this alteration is inconclusive. Based on the available evidence, the clinical significance of this variant remains unclear.

Labcorp Genetics (formerly Invitae), Labcorp
Classification: Uncertain significance for Familial cancer of breast. Last evaluated: 2025-09-27. Review status: criteria provided, single submitter. Criteria: Invitae Variant Classification Sherloc (09022015). Collection method: clinical testing. Allele origin: germline.
Comment: This sequence change replaces alanine, which is neutral and non-polar, with threonine, which is neutral and polar, at codon 459 of the CHEK2 protein (p.Ala459Thr). This variant also falls at the last nucleotide of exon 12, which is part of the consensus splice site for this exon. This variant is not present in population databases (gnomAD no frequency). This variant has not been reported in the literature in individuals affected with CHEK2-related conditions. ClinVar contains an entry for this variant (Variation ID: 570196). An algorithm developed to predict the effect of missense changes on protein structure and function (PolyPhen-2) suggests that this variant is likely to be disruptive. Variants that disrupt the consensus splice site are a relatively common cause of aberrant splicing (PMID: 17576681, 9536098). Studies have shown that this missense change alters mRNA splicing and is expected to lead to the loss of protein expression (PMID: 37725924). In summary, the available evidence is currently insufficient to determine the role of this variant in disease. Therefore, it has been classified as a Variant of Uncertain Significance.

German Consortium for Hereditary Breast and Ovarian Cancer, University Hospital Cologne
Classification: Uncertain significance for Hereditary breast ovarian cancer syndrome. Last evaluated: 2025-02-13. Review status: criteria provided, single submitter. Criteria: ACMG Guidelines, 2015. Collection method: curation. Allele origin: germline.
Comment: According to the ACMG SVI adaptation criteria we chose these criteria: PM2 (supporting pathogenic): MAF: 8.609e-7; 1x in gAD v4, PP3 (supporting pathogenic): spliceAI: 0.32 (donor loss); REVEL: 0.548

Literature cited by the submitters: PubMed 37725924 (cited by Ambry Genetics and Labcorp Genetics (formerly Invitae), Labcorp); PubMed 17576681 (cited by Labcorp Genetics (formerly Invitae), Labcorp); PubMed 9536098 (cited by Labcorp Genetics (formerly Invitae), Labcorp).

NM_007194.4(CHEK2):c.1375G>A (p.Ala459Thr)

Gene: CHEK2 (checkpoint kinase 2; minus strand). Cytogenetic location: 22q12.1.
Variant type: single nucleotide variant.
Coding change: c.1375G>A on transcript NM_007194.4 (MANE Select); coding-DNA position 1375, G replaced by A.
Protein change: p.Ala459Thr; replaces alanine 459 with threonine.
Molecular consequence: missense variant.
Genome position (GRCh38, 1-based): chr22:28,695,127, C>T on the plus strand (G>A on the coding strand, the complement: CHEK2 is on the minus strand). VCF-style: chr22-28695127-C-T. GRCh37 (hg19) VCF-style: chr22-29091115-C-T.
Other names: c.712G>A, p.Ala238Thr (NM_001257387.3); c.1174G>A, p.Ala392Thr (NM_001349956.3); c.1288G>A, p.Ala430Thr (NM_145862.3); c.1504G>A, p.Ala502Thr (NM_001005735.3); short protein forms A459T, A502T, A392T, A238T, A430T.
Identifiers: ClinVar variation 570196 (VCV000570196.17), dbSNP rs769729382, ClinGen allele CA411095332.
Genomic context (GRCh38, chr22:28,695,127, plus strand): 5'-CCACCACAGCACATACACATTTTAGCATACCACAAATTCTTAACCCTTTCATATTCATAC[C>T]TTTCTCTGAGACTTCTGCCCAGACTTCAGGAATGAAGTTGTATTTTCCACTGGTGATCTG-3'
Protein context (NP_009125.1, residues 449-469): PEVWAEVSEK[Ala459Thr]LDLVKKLLVV